The following is an entry in ClinVar:

NM_019032.6(ADAMTSL4):c.1097G>A (p.Gly366Glu)

Genes: ADAMTSL4 (ADAMTS like 4; plus strand), ADAMTSL4-AS2 (ADAMTSL4 antisense RNA 2; minus strand). Cytogenetic location: 1q21.2.
Variant type: single nucleotide variant.
Coding change: c.1097G>A on transcript NM_019032.6 (MANE Select); coding-DNA position 1097, G replaced by A.
Protein change: p.Gly366Glu; replaces glycine 366 with glutamic acid.
Molecular consequence: missense variant.
Genome position (GRCh38, 1-based): chr1:150,554,088, G>A. VCF-style: chr1-150554088-G-A. GRCh37 (hg19) VCF-style: chr1-150526564-G-A.
Other names: c.1097G>A, p.Gly366Glu (NM_001288607.2, NM_001288608.2, NM_001378596.1 and 1 more transcripts); short protein forms G366E.
Identifiers: ClinVar variation 2035551 (VCV002035551.4), dbSNP rs989065532, ClinGen allele CA30067199.

ClinVar aggregate classification (germline): Uncertain significance (1 of 4 stars; one submission).

Submission:

Labcorp Genetics (formerly Invitae), Labcorp
Classification: Uncertain significance. Last evaluated: 2022-10-17. Review status: criteria provided, single submitter. Criteria: Invitae Variant Classification Sherloc (09022015). Collection method: clinical testing. Allele origin: germline.
Comment: In summary, the available evidence is currently insufficient to determine the role of this variant in disease. Therefore, it has been classified as a Variant of Uncertain Significance. Algorithms developed to predict the effect of missense changes on protein structure and function (SIFT, PolyPhen-2, Align-GVGD) all suggest that this variant is likely to be disruptive. This variant has not been reported in the literature in individuals affected with ADAMTSL4-related conditions. This variant is not present in population databases (gnomAD no frequency). This sequence change replaces glycine, which is neutral and non-polar, with glutamic acid, which is acidic and polar, at codon 366 of the ADAMTSL4 protein (p.Gly366Glu).